The following is an entry in ClinVar:

NM_007194.4(CHEK2):c.1406T>A (p.Val469Glu)

Gene: CHEK2 (checkpoint kinase 2; minus strand). Cytogenetic location: 22q12.1.
Variant type: single nucleotide variant.
Coding change: c.1406T>A on transcript NM_007194.4 (MANE Select); coding-DNA position 1406, T replaced by A.
Protein change: p.Val469Glu; replaces valine 469 with glutamic acid.
Molecular consequence: missense variant.
Genome position (GRCh38, 1-based): chr22:28,694,087, A>T on the plus strand (T>A on the coding strand, the complement: CHEK2 is on the minus strand). VCF-style: chr22-28694087-A-T. GRCh37 (hg19) VCF-style: chr22-29090075-A-T.
Other names: c.1535T>A, p.Val512Glu (NM_001005735.3); c.743T>A, p.Val248Glu (NM_001257387.3); c.1205T>A, p.Val402Glu (NM_001349956.3); c.1319T>A, p.Val440Glu (NM_145862.3); short protein forms V402E, V440E, V248E, V512E, V469E.
Identifiers: ClinVar variation 819129 (VCV000819129.14), dbSNP rs763344790, ClinGen allele CA411094359.
Genomic context (GRCh38, chr22:28,694,087, plus strand): 5'-CCCACCTGAAGCCACGGGTGTCTTAAGGCTTCTTCTGTCGTAAAACGTGCCTTTGGATCC[A>T]CTACCAACAACTTCTTGACAAGGTCCAGAGCTAAAGCAACAATTGGGCAAATCACAGTGA-3'
Protein context (NP_009125.1, residues 459-479): ALDLVKKLLV[Val469Glu]DPKARFTTEE

ClinVar aggregate classification (germline): Uncertain significance. Review status: criteria provided, multiple submitters, no conflicts (2 of 4 stars). 3 submissions from 3 submitters: Uncertain significance (3). Last evaluated 2024-05-15.

Conditions:
Hereditary cancer-predisposing syndrome. Also called: Hereditary Cancer Syndrome; Hereditary neoplastic syndrome; Neoplastic Syndromes, Hereditary; Tumor predisposition. Identifiers: Orphanet 140162, MedGen C0027672, MeSH D009386, MONDO:0015356.
CHEK2-related cancer predisposition (TPDS4). Also called: CANCER PREDISPOSITION SYNDROME, CHEK2-RELATED; CHEK2-related cancer susceptibility; TUMOR PREDISPOSITION SYNDROME 4. Identifiers: Orphanet 524, MedGen C5882668, MONDO:0700271, OMIM 609265.
Bone osteosarcoma. Also called: Osteosarcoma, somatic. Identifiers: Orphanet 668, MedGen C0585442, MONDO:0002629, OMIM 259500.
Familial prostate cancer. Also called: Hereditary Prostate Cancer. Identifiers: MedGen C2931456, MONDO:0700275, OMIM 176807.
Familial cancer of breast. Also called: Hereditary breast cancer; hereditary breast carcinoma; BREAST CANCER, FAMILIAL. Identifiers: Orphanet 227535, MedGen C0346153, MONDO:0016419, OMIM 114480. Disease mechanism: loss of function.

Submissions (3):

Fulgent Genetics
Classification: Uncertain significance for Familial prostate cancer; Bone osteosarcoma; CHEK2-related cancer predisposition. Last evaluated: 2024-05-15. Review status: criteria provided, single submitter. Criteria: ACMG Guidelines, 2015. Collection method: clinical testing. Allele origin: germline.

Labcorp Genetics (formerly Invitae), Labcorp
Classification: Uncertain significance for Familial cancer of breast. Last evaluated: 2024-04-24. Review status: criteria provided, single submitter. Criteria: Invitae Variant Classification Sherloc (09022015). Collection method: clinical testing. Allele origin: germline.
Comment: This sequence change replaces valine, which is neutral and non-polar, with glutamic acid, which is acidic and polar, at codon 469 of the CHEK2 protein (p.Val469Glu). This variant is not present in population databases (gnomAD no frequency). This variant has not been reported in the literature in individuals affected with CHEK2-related conditions. ClinVar contains an entry for this variant (Variation ID: 819129). An algorithm developed to predict the effect of missense changes on protein structure and function (PolyPhen-2) suggests that this variant is likely to be disruptive. In summary, the available evidence is currently insufficient to determine the role of this variant in disease. Therefore, it has been classified as a Variant of Uncertain Significance.

Ambry Genetics
Classification: Uncertain significance for Hereditary cancer-predisposing syndrome. Last evaluated: 2018-12-27. Review status: criteria provided, single submitter. Criteria: Ambry Variant Classification Scheme 2023. Collection method: clinical testing. Allele origin: germline.
Comment: The p.V469E variant (also known as c.1406T>A), located in coding exon 12 of the CHEK2 gene, results from a T to A substitution at nucleotide position 1406. The valine at codon 469 is replaced by glutamic acid, an amino acid with dissimilar properties. This amino acid position is highly conserved in available vertebrate species. In addition, this alteration is predicted to be deleterious by in silico analysis. Since supporting evidence is limited at this time, the clinical significance of this alteration remains unclear.